The following is an entry in ClinVar:

ClinVar aggregate classification (germline): Uncertain significance (1 of 4 stars; one submission).

Conditions:
Primary ciliary dyskinesia. Also called: Ciliary dyskinesia. Identifiers: Orphanet 244, MedGen C0008780, MONDO:0016575, HP:0012265.

Allele frequency attached by ClinVar (database versions not stated): ExAC 0.00002; TOPMed 0.00002; gnomAD 0.00003; gnomAD exomes 0.00005; 1000 Genomes Project 30x 0.00016; 1000 Genomes Project 0.00020.
gnomAD v4.1: 72 of 1,599,782 alleles (0.0045%); highest among the groups gnomAD compares: Non-Finnish European, 0.0058%; no homozygotes.

Submission:

Labcorp Genetics (formerly Invitae), Labcorp
Classification: Uncertain significance for Primary ciliary dyskinesia. Last evaluated: 2024-02-09. Review status: criteria provided, single submitter. Criteria: Invitae Variant Classification Sherloc (09022015). Collection method: clinical testing. Allele origin: germline.
Comment: This sequence change replaces glycine, which is neutral and non-polar, with serine, which is neutral and polar, at codon 2112 of the DNAH8 protein (p.Gly2112Ser). This variant is present in population databases (rs146299075, gnomAD 0.005%). This variant has not been reported in the literature in individuals affected with DNAH8-related conditions. ClinVar contains an entry for this variant (Variation ID: 2193640). Advanced modeling of protein sequence and biophysical properties (such as structural, functional, and spatial information, amino acid conservation, physicochemical variation, residue mobility, and thermodynamic stability) performed at Invitae indicates that this missense variant is not expected to disrupt DNAH8 protein function with a negative predictive value of 80%. Algorithms developed to predict the effect of sequence changes on RNA splicing suggest that this variant may create or strengthen a splice site. In summary, the available evidence is currently insufficient to determine the role of this variant in disease. Therefore, it has been classified as a Variant of Uncertain Significance.

NM_001206927.2(DNAH8):c.6334G>A (p.Gly2112Ser)

Gene: DNAH8 (dynein axonemal heavy chain 8; plus strand). Cytogenetic location: 6p21.2.
Variant type: single nucleotide variant.
Coding change: c.6334G>A on transcript NM_001206927.2 (MANE Select); coding-DNA position 6334, G replaced by A.
Protein change: p.Gly2112Ser; replaces glycine 2112 with serine.
Molecular consequence: missense variant.
Genome position (GRCh38, 1-based): chr6:38,863,896, G>A. VCF-style: chr6-38863896-G-A. GRCh37 (hg19) VCF-style: chr6-38831672-G-A.
Other names: c.5683G>A, p.Gly1895Ser (NM_001371.4); short protein forms G2112S, G1895S.
Identifiers: ClinVar variation 2193640 (VCV002193640.2), dbSNP rs146299075, ClinGen allele CA3789638.
Genomic context (GRCh38, chr6:38,863,896, plus strand): 5'-GAGTAAAACTTTACAAATTAACTGTTTTTCATGCCAGGTCTTGCACAGTCGGGTTCCTGG[G>A]GCTGTTTTGATGAGTTTAACAGAATTGAATTGCCTGTATTATCAGTGGCAGCACAACAAA-3'
Protein context (NP_001193856.1, residues 2102-2122): FKGLAQSGSW[Gly2112Ser]CFDEFNRIEL